The following is an entry in ClinVar:

NM_012123.4(MTO1):c.562_563del (p.Ser188fs)

Gene: MTO1 (mitochondrial tRNA translation optimization 1; plus strand). Cytogenetic location: 6q13.
Variant type: Microsatellite.
Coding change: c.562_563del on transcript NM_012123.4 (MANE Select); coding-DNA positions 562 to 563, 2 bases deleted (AG; older notation c.562_563delAG).
Protein change: p.Ser188fs; shifts the reading frame from serine 188.
Molecular consequence: frameshift variant.
Genome position (GRCh38, 1-based): chr6:73,473,391-73,473,392, AG deleted; deleting any 2 consecutive bases within chr6:73,473,387-73,473,392 gives the same sequence; the c. name uses the placement nearest the transcript's 3' end. VCF-style (leftmost placement, unchanged base first): chr6-73473386-CAG-C. GRCh37 (hg19) VCF-style: chr6-74183109-CAG-C.
Other names: c.562_563del, p.Ser188fs (NM_001123226.2, NM_133645.3); short protein forms S188fs.
Identifiers: ClinVar variation 4806574 (VCV004806574.1).
Genomic context (GRCh38, chr6:73,473,386, plus strand): 5'-ACATAGATAATGACTTTATTCTTTTTTCTTGTTATTTAGTGGATGGAAGCACAGTATATG[CAG>C]AGAGTGTGATTCTGACTACTGGGACATTTCTGAGAGGCATGATTGTAATTGGATTGGAGA-3'

ClinVar aggregate classification (germline): Pathogenic (1 of 4 stars; one submission).

Conditions:
Mitochondrial hypertrophic cardiomyopathy with lactic acidosis due to MTO1 deficiency. Also called: CARDIOMYOPATHY, INFANTILE HYPERTROPHIC MITOCHONDRIAL, AND LACTIC ACIDOSIS; Combined oxidative phosphorylation deficiency 10. Identifiers: Orphanet 314637, MedGen C4749921, MONDO:0013865, OMIM 614702.

Submission:

Labcorp Genetics (formerly Invitae), Labcorp
Classification: Pathogenic for Mitochondrial hypertrophic cardiomyopathy with lactic acidosis due to MTO1 deficiency. Last evaluated: 2025-04-28. Review status: criteria provided, single submitter. Criteria: Invitae Variant Classification Sherloc (09022015). Collection method: clinical testing. Allele origin: germline.
Comment: This sequence change creates a premature translational stop signal (p.Ser188Cysfs*61) in the MTO1 gene. It is expected to result in an absent or disrupted protein product. Loss-of-function variants in MTO1 are known to be pathogenic (PMID: 22608499, 25058219). This variant is present in population databases (no rsID available, gnomAD 0.002%). This variant has not been reported in the literature in individuals affected with MTO1-related conditions. For these reasons, this variant has been classified as Pathogenic.

Literature cited by the submitters: PubMed 22608499; PubMed 25058219.